The following is an entry in ClinVar:

ClinVar aggregate classification (germline): Uncertain significance (1 of 4 stars; one submission).

Conditions:
VPS13B-related disorder. Also called: VPS13B-related condition.

Submission:

PreventionGenetics, part of Exact Sciences
Classification: Uncertain significance for VPS13B-related condition. Last evaluated: 2025-08-12. Review status: criteria provided, single submitter. Criteria: ACMG Guidelines, 2015. Collection method: clinical testing. Allele origin: germline.
Comment: The VPS13B c.4798A>G variant is predicted to result in the amino acid substitution p.Arg1600Gly. To our knowledge, this variant has not been reported in the literature or in a large population database (gnomAD), indicating this variant is rare. At this time, the clinical significance of this variant is uncertain due to the absence of conclusive functional and genetic evidence.

NM_152564.5(VPS13B):c.4798A>G (p.Arg1600Gly)

Gene: VPS13B (vacuolar protein sorting 13 homolog B; plus strand). Cytogenetic location: 8q22.2.
Variant type: single nucleotide variant.
Coding change: c.4798A>G on transcript NM_152564.5 (MANE Select); coding-DNA position 4798, A replaced by G.
Protein change: p.Arg1600Gly; replaces arginine 1600 with glycine.
Molecular consequence: missense variant.
Genome position (GRCh38, 1-based): chr8:99,556,502, A>G. VCF-style: chr8-99556502-A-G. GRCh37 (hg19) VCF-style: chr8-100568730-A-G.
Other names: c.4873A>G, p.Arg1625Gly (NM_017890.5); short protein forms R1600G, R1625G.
Identifiers: ClinVar variation 4996277 (VCV004996277.1).